The following is an entry in ClinVar:

NM_052989.3(IFT122):c.3217G>A (p.Val1073Ile)

Gene: IFT122 (intraflagellar transport 122; plus strand). Cytogenetic location: 3q22.1.
Variant type: single nucleotide variant.
Coding change: c.3217G>A on transcript NM_052989.3 (MANE Select); coding-DNA position 3217, G replaced by A.
Protein change: p.Val1073Ile; replaces valine 1073 with isoleucine.
Molecular consequence: missense variant.
Genome position (GRCh38, 1-based): chr3:129,515,551, G>A. VCF-style: chr3-129515551-G-A. GRCh37 (hg19) VCF-style: chr3-129234394-G-A.
Other names: c.3370G>A (NM_052985.2); c.3196G>A, p.Val1066Ile (NM_001280541.2); c.2767G>A, p.Val923Ile (NM_001280545.2); c.2590G>A, p.Val864Ile (NM_001280546.2); c.3040G>A, p.Val1014Ile (NM_018262.4); c.3370G>A, p.Val1124Ile (NM_052985.4); c.2887G>A, p.Val963Ile (NM_052990.3); short protein forms V1014I, V1073I, V963I, V1066I, V1124I, V864I, V923I.
Identifiers: ClinVar variation 1384252 (VCV001384252.9), dbSNP rs138028750, ClinGen allele CA2606838.

ClinVar aggregate classification (germline): Uncertain significance. Review status: criteria provided, multiple submitters, no conflicts (2 of 4 stars). 3 submissions from 3 submitters: Uncertain significance (3). Last evaluated 2025-04-12.

Conditions:
Inborn genetic diseases. Identifiers: MedGen C0950123, MeSH D030342.
Cranioectodermal dysplasia 1 (CED1). Also called: LEVIN SYNDROME I. Identifiers: Orphanet 1515, MedGen C0432235, MONDO:0021093, OMIM 218330.

Allele frequency attached by ClinVar (database versions not stated): gnomAD exomes 0.00005 and 0.00011; TOPMed 0.00005; ExAC 0.00007; ESP Exome Variant Server 0.00008.
gnomAD v4.1: 163 of 1,579,082 alleles (0.01%); highest among the groups gnomAD compares: African/African-American, 0.014%; no homozygotes.

Submissions (3):

Ambry Genetics
Classification: Uncertain significance for Inborn genetic diseases. Last evaluated: 2025-04-12. Review status: criteria provided, single submitter. Criteria: Ambry Variant Classification Scheme 2023. Collection method: clinical testing. Allele origin: germline.

Labcorp Genetics (formerly Invitae), Labcorp
Classification: Uncertain significance for Cranioectodermal dysplasia 1. Last evaluated: 2024-12-16. Review status: criteria provided, single submitter. Criteria: Invitae Variant Classification Sherloc (09022015). Collection method: clinical testing. Allele origin: germline.
Comment: This sequence change replaces valine, which is neutral and non-polar, with isoleucine, which is neutral and non-polar, at codon 1124 of the IFT122 protein (p.Val1124Ile). This variant is present in population databases (rs138028750, gnomAD 0.01%). This variant has not been reported in the literature in individuals affected with IFT122-related conditions. ClinVar contains an entry for this variant (Variation ID: 1384252). Invitae Evidence Modeling of protein sequence and biophysical properties (such as structural, functional, and spatial information, amino acid conservation, physicochemical variation, residue mobility, and thermodynamic stability) indicates that this missense variant is not expected to disrupt IFT122 protein function with a negative predictive value of 80%. In summary, the available evidence is currently insufficient to determine the role of this variant in disease. Therefore, it has been classified as a Variant of Uncertain Significance.

Fulgent Genetics
Classification: Uncertain significance for Cranioectodermal dysplasia 1. Last evaluated: 2022-02-21. Review status: criteria provided, single submitter. Criteria: ACMG Guidelines, 2015. Collection method: clinical testing. Allele origin: unknown.